The following is an entry in ClinVar:

ClinVar aggregate classification (germline): Uncertain significance. Review status: criteria provided, multiple submitters, no conflicts (2 of 4 stars). 2 submissions from 2 submitters: Uncertain significance (2). Last evaluated 2025-04-18.

Conditions:
Inborn genetic diseases. Identifiers: MedGen C0950123, MeSH D030342.

Allele frequency attached by ClinVar (database versions not stated): ExAC 0.00001; gnomAD 0.00001; TOPMed 0.00001.
gnomAD v4.1: 15 of 1,613,862 alleles (0.00093%); highest among the groups gnomAD compares: Non-Finnish European, 0.0011%; no homozygotes.

Submissions (2):

Ambry Genetics
Classification: Uncertain significance for Inborn genetic diseases. Last evaluated: 2025-04-18. Review status: criteria provided, single submitter. Criteria: Ambry Variant Classification Scheme 2023. Collection method: clinical testing. Allele origin: germline.

GeneDx
Classification: Uncertain significance. Last evaluated: 2024-05-06. Review status: criteria provided, single submitter. Criteria: GeneDx Variant Classification Process June 2021. Collection method: clinical testing. Allele origin: germline. Affected: yes.
Comment: Not observed at significant frequency in large population cohorts (gnomAD); In silico analysis supports that this missense variant has a deleterious effect on protein structure/function; Has not been previously published as pathogenic or benign to our knowledge

NM_001206744.2(TPO):c.2547G>T (p.Trp849Cys)

Genes: LALTOP (lung cancer associated lncRNA targeting TOP2A; minus strand), TPO (thyroid peroxidase; plus strand). Cytogenetic location: 2p25.3.
Variant type: single nucleotide variant.
Coding change: c.2547G>T on transcript NM_001206744.2 (MANE Select); coding-DNA position 2547, G replaced by T.
Protein change: p.Trp849Cys; replaces tryptophan 849 with cysteine.
Molecular consequence: missense variant.
Genome position (GRCh38, 1-based): chr2:1,516,911, G>T. VCF-style: chr2-1516911-G-T. GRCh37 (hg19) VCF-style: chr2-1520683-G-T.
Other names: c.2547G>T, p.Trp849Cys (NM_000547.6); c.2376G>T, p.Trp792Cys (NM_001206745.2, NM_175719.4); c.2415G>T, p.Trp805Cys (NM_175721.3); c.2028G>T, p.Trp676Cys (NM_175722.3); short protein forms W849C, W676C, W805C, W792C.
Identifiers: ClinVar variation 2324558 (VCV002324558.4), dbSNP rs772758890, ClinGen allele CA1512186.
Genomic context (GRCh38, chr2:1,516,911, plus strand): 5'-TTCTTCTAACCAGGCCTCTTTCTGTGCCCCAGACTCCGGGAGGCTCCCTCGGGTGACTTG[G>T]ATCTCCATGTCGCTGGCTGCTCTGCTGATCGGAGGCTTCGCAGGTCTCACCTCGACGGTG-3'
Protein context (NP_001193673.1, residues 839-859): VDSGRLPRVT[Trp849Cys]ISMSLAALLI